The following is an entry in ClinVar:

ClinVar aggregate classification (germline): Uncertain significance (1 of 4 stars; one submission).

Conditions:
Charcot-Marie-Tooth disease type 4H (CMT4H). Also called: CHARCOT-MARIE-TOOTH DISEASE, AUTOSOMAL RECESSIVE, TYPE 4H; CHARCOT-MARIE-TOOTH DISEASE, DEMYELINATING, AUTOSOMAL RECESSIVE, TYPE 4H; CHARCOT-MARIE-TOOTH NEUROPATHY, TYPE 4H; CHARCOT-MARIE-TOOTH DISEASE, DEMYELINATING, TYPE 4H. Identifiers: Orphanet 99954, MedGen C1836336, MONDO:0012250, OMIM 609311.

gnomAD v4.1: 1 of 1,614,124 alleles (0.000062%); highest among the groups gnomAD compares: Non-Finnish European, 0.000085%; no homozygotes.

Submission:

3billion
Classification: Uncertain significance for Charcot-Marie-Tooth disease type 4H. Last evaluated: 2025-05-27. Review status: criteria provided, single submitter. Criteria: ACMG Guidelines, 2015. Collection method: clinical testing. Allele origin: germline. Affected: yes.
Comment: The variant is observed at an extremely low frequency in the gnomAD v4.1.0 dataset (total allele frequency: <0.001%). Predicted Consequence/Location: Missense variant. The majority of the known disease-causing variants of this gene are variants expected to result in premature termination of the protein. In silico tools predict the variant to alter splicing and produce an abnormal transcript [SpliceAI: 0.44 (>=0.2, moderate evidence for spliceogenicity)]. Therefore, this variant is classified as VUS according to the recommendation of ACMG/AMP guideline.

NM_001370298.3(FGD4):c.1159G>A (p.Val387Met)

Gene: FGD4 (FYVE, RhoGEF and PH domain containing 4; plus strand). Cytogenetic location: 12p11.21.
Variant type: single nucleotide variant.
Coding change: c.1159G>A on transcript NM_001370298.3 (MANE Select); coding-DNA position 1159, G replaced by A.
Protein change: p.Val387Met; replaces valine 387 with methionine.
Molecular consequence: missense variant. On other transcripts: 5 prime UTR variant (1).
Genome position (GRCh38, 1-based): chr12:32,601,335, G>A. VCF-style: chr12-32601335-G-A. GRCh37 (hg19) VCF-style: chr12-32754269-G-A.
Other names: c.1003G>A, p.Val335Met (NM_001304481.2); c.748G>A, p.Val250Met (NM_001385118.1, NM_139241.3, NM_001384127.1 and 1 more transcripts); c.4G>A, p.Val2Met (NM_001304483.2); c.-304G>A (NM_001304484.2); c.469G>A, p.Val157Met (NM_001330373.2, NM_001330374.2, NM_001384130.1); c.196G>A, p.Val66Met (NM_001370297.1); c.1159G>A, p.Val387Met (NM_001384126.1); short protein forms V157M, V250M, V2M, V335M, V387M, V66M.
Identifiers: ClinVar variation 4854565 (VCV004854565.1).